The following is an entry in ClinVar:

ClinVar aggregate classification (germline): Uncertain significance (1 of 4 stars; one submission).

Allele frequency attached by ClinVar (database versions not stated): 1000 Genomes Project 30x 0.00016; 1000 Genomes Project 0.00020; ESP Exome Variant Server 0.00054.
gnomAD v4.1: 166 of 1,583,764 alleles (0.01%); highest among the groups gnomAD compares: African/African-American, 0.19%; 1 homozygote.

Submission:

Labcorp Genetics (formerly Invitae), Labcorp
Classification: Uncertain significance. Last evaluated: 2025-01-20. Review status: criteria provided, single submitter. Criteria: Invitae Variant Classification Sherloc (09022015). Collection method: clinical testing. Allele origin: germline.
Comment: This sequence change falls in intron 10 of the TONSL gene. It does not directly change the encoded amino acid sequence of the TONSL protein. It affects a nucleotide within the consensus splice site. This variant is present in population databases (rs371357002, gnomAD 0.2%). This variant has not been reported in the literature in individuals affected with TONSL-related conditions. ClinVar contains an entry for this variant (Variation ID: 1363631). Variants that disrupt the consensus splice site are a relatively common cause of aberrant splicing (PMID: 17576681, 9536098). Algorithms developed to predict the effect of sequence changes on RNA splicing suggest that this variant is not likely to affect RNA splicing. In summary, the available evidence is currently insufficient to determine the role of this variant in disease. Therefore, it has been classified as a Variant of Uncertain Significance.

Literature cited by the submitters: PubMed 17576681; PubMed 9536098.

NM_013432.5(TONSL):c.1290+4C>G

Gene: TONSL (tonsoku like, DNA repair protein; minus strand). Cytogenetic location: 8q24.3.
Variant type: single nucleotide variant.
Coding change: c.1290+4C>G on transcript NM_013432.5 (MANE Select); 4 bases into the intron after coding-DNA position 1290, C replaced by G.
Molecular consequence: intron variant.
Genome position (GRCh38, 1-based): chr8:144,440,347, G>C on the plus strand (C>G on the coding strand, the complement: TONSL is on the minus strand). VCF-style: chr8-144440347-G-C. GRCh37 (hg19) VCF-style: chr8-145665730-G-C.
Identifiers: ClinVar variation 1363631 (VCV001363631.4), dbSNP rs371357002, ClinGen allele CA4943307.